The following is an entry in ClinVar:

ClinVar aggregate classification (germline): Uncertain significance. Review status: criteria provided, multiple submitters, no conflicts (2 of 4 stars). 2 submissions from 2 submitters: Uncertain significance (2). Last evaluated 2025-04-11.

Conditions:
Legius syndrome. Identifiers: Orphanet 137605, MedGen C1969623, MONDO:0012669, OMIM 611431. Disease mechanism: loss of function.
Cardiovascular phenotype. Identifiers: MedGen CN230736.

Allele frequency attached by ClinVar (database versions not stated): TOPMed 0.00002; gnomAD 0.00003.
gnomAD v4.1: 5 of 1,611,486 alleles (0.00031%); highest among the groups gnomAD compares: African/African-American, 0.0067%; no homozygotes.

Submissions (2):

Ambry Genetics
Classification: Uncertain significance for Cardiovascular phenotype. Last evaluated: 2025-04-11. Review status: criteria provided, single submitter. Criteria: Ambry Variant Classification Scheme 2023. Collection method: clinical testing. Allele origin: germline.
Comment: The p.S222N variant (also known as c.665G>A), located in coding exon 6 of the SPRED1 gene, results from a G to A substitution at nucleotide position 665. The serine at codon 222 is replaced by asparagine, an amino acid with highly similar properties. This amino acid position is conserved. In addition, this alteration is predicted to be tolerated by in silico analysis. Based on the available evidence, the clinical significance of this variant remains unclear.

Labcorp Genetics (formerly Invitae), Labcorp
Classification: Uncertain significance for Legius syndrome. Last evaluated: 2024-09-01. Review status: criteria provided, single submitter. Criteria: Invitae Variant Classification Sherloc (09022015). Collection method: clinical testing. Allele origin: germline.
Comment: This sequence change replaces serine, which is neutral and polar, with asparagine, which is neutral and polar, at codon 222 of the SPRED1 protein (p.Ser222Asn). This variant is present in population databases (no rsID available, gnomAD 0.008%). This variant has not been reported in the literature in individuals affected with SPRED1-related conditions. ClinVar contains an entry for this variant (Variation ID: 2120349). Invitae Evidence Modeling of protein sequence and biophysical properties (such as structural, functional, and spatial information, amino acid conservation, physicochemical variation, residue mobility, and thermodynamic stability) indicates that this missense variant is not expected to disrupt SPRED1 protein function with a negative predictive value of 80%. In summary, the available evidence is currently insufficient to determine the role of this variant in disease. Therefore, it has been classified as a Variant of Uncertain Significance.

NM_152594.3(SPRED1):c.665G>A (p.Ser222Asn)

Gene: SPRED1 (sprouty related EVH1 domain containing 1; plus strand). Cytogenetic location: 15q14.
Variant type: single nucleotide variant.
Coding change: c.665G>A on transcript NM_152594.3 (MANE Select); coding-DNA position 665, G replaced by A.
Protein change: p.Ser222Asn; replaces serine 222 with asparagine.
Molecular consequence: missense variant.
Genome position (GRCh38, 1-based): chr15:38,349,504, G>A. VCF-style: chr15-38349504-G-A. GRCh37 (hg19) VCF-style: chr15-38641705-G-A.
Other names: c.665G>A (NM_152594.2); short protein forms S222N.
Identifiers: ClinVar variation 2120349 (VCV002120349.5), dbSNP rs1401084390, ClinGen allele CA391932952.